The following is an entry in ClinVar:

NM_005359.6(SMAD4):c.1558G>C (p.Glu520Gln)

Gene: SMAD4 (SMAD family member 4; plus strand). Cytogenetic location: 18q21.2.
Variant type: single nucleotide variant.
Coding change: c.1558G>C on transcript NM_005359.6 (MANE Select); coding-DNA position 1558, G replaced by C.
Protein change: p.Glu520Gln; replaces glutamic acid 520 with glutamine.
Molecular consequence: missense variant.
Genome position (GRCh38, 1-based): chr18:51,078,366, G>C. VCF-style: chr18-51078366-G-C. GRCh37 (hg19) VCF-style: chr18-48604736-G-C.
Other names: short protein forms E520Q.
Identifiers: ClinVar variation 819528 (VCV000819528.9), dbSNP rs1599205419, ClinGen allele CA402466030.

ClinVar aggregate classification (germline): Uncertain significance. Review status: criteria provided, multiple submitters, no conflicts (2 of 4 stars). 2 submissions from 2 submitters: Uncertain significance (2). Last evaluated 2022-05-24.

Conditions:
Familial thoracic aortic aneurysm and aortic dissection (TAAD). Also called: Thoracic aortic aneurysms and dissections. Identifiers: Orphanet 91387, MedGen C4707243, MONDO:0019625.
Hereditary cancer-predisposing syndrome. Also called: Hereditary Cancer Syndrome; Neoplastic Syndromes, Hereditary; Hereditary neoplastic syndrome; Tumor predisposition. Identifiers: Orphanet 140162, MedGen C0027672, MeSH D009386, MONDO:0015356.
Juvenile polyposis syndrome (JPS). Identifiers: Orphanet 2929, MedGen C0345893, MONDO:0017380, OMIM 174900.

Allele frequency attached by ClinVar (database versions not stated): gnomAD exomes below 0.00001.
gnomAD v4.1: 1 of 1,614,192 alleles (0.000062%); no homozygotes.

Submissions (2):

Labcorp Genetics (formerly Invitae), Labcorp
Classification: Uncertain significance for Juvenile polyposis syndrome. Last evaluated: 2022-05-24. Review status: criteria provided, single submitter. Criteria: Invitae Variant Classification Sherloc (09022015). Collection method: clinical testing. Allele origin: germline.
Comment: This sequence change replaces glutamic acid, which is acidic and polar, with glutamine, which is neutral and polar, at codon 520 of the SMAD4 protein (p.Glu520Gln). This variant is not present in population databases (gnomAD no frequency). In summary, the available evidence is currently insufficient to determine the role of this variant in disease. Therefore, it has been classified as a Variant of Uncertain Significance. Advanced modeling of protein sequence and biophysical properties (such as structural, functional, and spatial information, amino acid conservation, physicochemical variation, residue mobility, and thermodynamic stability) performed at Invitae indicates that this missense variant is not expected to disrupt SMAD4 protein function. ClinVar contains an entry for this variant (Variation ID: 819528). This variant has not been reported in the literature in individuals affected with SMAD4-related conditions.

Ambry Genetics
Classification: Uncertain significance for Hereditary cancer-predisposing syndrome; Familial thoracic aortic aneurysm and aortic dissection. Last evaluated: 2019-03-29. Review status: criteria provided, single submitter. Criteria: Ambry Variant Classification Scheme 2023. Collection method: clinical testing. Allele origin: germline.
Comment: The p.E520Q variant (also known as c.1558G>C), located in coding exon 11 of the SMAD4 gene, results from a G to C substitution at nucleotide position 1558. The glutamic acid at codon 520 is replaced by glutamine, an amino acid with highly similar properties. This amino acid position is highly conserved in available vertebrate species. In addition, the in silico prediction for this alteration is inconclusive. Since supporting evidence is limited at this time, the clinical significance of this alteration remains unclear.